The following is an entry in ClinVar:

NM_002458.3(MUC5B):c.7663del (p.Thr2555fs)

Genes: MUC5B (mucin 5B, oligomeric mucus/gel-forming; plus strand), MUC5B-AS1 (MUC5B antisense RNA 1; minus strand). Cytogenetic location: 11p15.5.
Variant type: Deletion.
Coding change: c.7663del on transcript NM_002458.3 (MANE Select); coding-DNA position 7663, one base deleted (A; older notation c.7663delA).
Protein change: p.Thr2555fs; shifts the reading frame from threonine 2555.
Molecular consequence: frameshift variant.
Genome position (GRCh38, 1-based): chr11:1,244,543, A deleted. VCF-style (leftmost placement, unchanged base first): chr11-1244542-GA-G. GRCh37 (hg19) VCF-style: chr11-1265772-GA-G.
Other names: short protein forms T2555fs.
Identifiers: ClinVar variation 403199 (VCV000403199.4), dbSNP rs1060499877, ClinGen allele CA16609754.
Genomic context (GRCh38, chr11:1,244,542, plus strand): 5'-TACCAGCTTTACAGCCATCCCCTCCTCCTCCCTGGGCACCACCTGGACCCGCCTATCACA[GA>G]CCACCACACCCACGGCCACCATGTCCACAGCCACACCCTCCTCCACTCCAGAGACTGTCC-3'

ClinVar aggregate classification (germline): Uncertain significance (1 of 4 stars; one submission).

Submission:

Laboratory for Molecular Medicine, Mass General Brigham Personalized Medicine
Classification: Uncertain significance. Last evaluated: 2016-03-28. Review status: criteria provided, single submitter. Criteria: LMM Criteria. Collection method: clinical testing. Allele origin: germline.
Comment: Variant identified in a genome or exome case(s) and assessed due to predicted null impact of the variant or pathogenic assertions in the literature or databases. Disclaimer: This variant has not undergone full assessment. The following are preliminary notes: One risk variant in this gene has been associated with pulmonary fibrosis. There are a number of relatively common fs variants in ExAC.